The following is an entry in ClinVar:

NM_001165963.4(SCN1A):c.4771A>G (p.Lys1591Glu)

Genes: SCN1A (sodium voltage-gated channel alpha subunit 1; minus strand), LOC102724058 (uncharacterized LOC102724058; plus strand). Cytogenetic location: 2q24.3.
Variant type: single nucleotide variant.
Coding change: c.4771A>G on transcript NM_001165963.4 (MANE Select); coding-DNA position 4771, A replaced by G.
Protein change: p.Lys1591Glu; replaces lysine 1591 with glutamic acid.
Molecular consequence: missense variant. On other transcripts: non-coding transcript variant (1).
Genome position (GRCh38, 1-based): chr2:165,994,227, T>C on the plus strand (A>G on the coding strand, the complement: SCN1A is on the minus strand). VCF-style: chr2-165994227-T-C. GRCh37 (hg19) VCF-style: chr2-166850737-T-C.
Other names: c.4687A>G, p.Lys1563Glu (NM_001165964.3, NM_001353957.2, NM_001353958.2); c.4771A>G, p.Lys1591Glu (NM_001202435.3, NM_001353948.2); c.4738A>G, p.Lys1580Glu (NM_001353949.2, NM_001353950.2, NM_001353951.2 and 2 more transcripts); c.4735A>G, p.Lys1579Glu (NM_001353954.2, NM_001353955.2); c.4684A>G, p.Lys1562Glu (NM_001353960.2); c.2329A>G, p.Lys777Glu (NM_001353961.2); short protein forms K1562E, K1563E, K1579E, K1580E, K1591E, K777E.
Identifiers: ClinVar variation 4800262 (VCV004800262.1).

ClinVar aggregate classification (germline): Likely pathogenic (1 of 4 stars; one submission).

Conditions:
Early-infantile DEE. Also called: Early infantile epileptic encephalopathy with suppression bursts; Early infantile epileptic encephalopathy; Ohtahara syndrome. Identifiers: Orphanet 1934, MedGen C0393706, MONDO:0800491.

Submission:

Labcorp Genetics (formerly Invitae), Labcorp
Classification: Likely pathogenic for Early-infantile DEE. Last evaluated: 2025-12-03. Review status: criteria provided, single submitter. Criteria: Invitae Variant Classification Sherloc (09022015). Collection method: clinical testing. Allele origin: germline.
Comment: This sequence change replaces lysine, which is basic and polar, with glutamic acid, which is acidic and polar, at codon 1591 of the SCN1A protein (p.Lys1591Glu). This variant is not present in population databases (gnomAD no frequency). This variant has not been reported in the literature in individuals affected with SCN1A-related conditions. Invitae Evidence Modeling of protein sequence and biophysical properties (such as structural, functional, and spatial information, amino acid conservation, physicochemical variation, residue mobility, and thermodynamic stability) indicates that this missense variant is expected to disrupt SCN1A protein function with a positive predictive value of 95%. This variant disrupts the p.Lys1591 amino acid residue in SCN1A. Other variant(s) that disrupt this residue have been determined to be pathogenic (internal data). This suggests that this residue is clinically significant, and that variants that disrupt this residue are likely to be disease-causing. In summary, the currently available evidence indicates that the variant is pathogenic, but additional data are needed to prove that conclusively. Therefore, this variant has been classified as Likely Pathogenic.